The following is an entry in ClinVar:

NM_000283.4(PDE6B):c.384C>T (p.Ser128=)

Gene: PDE6B (phosphodiesterase 6B; plus strand). Cytogenetic location: 4p16.3.
Variant type: single nucleotide variant.
Coding change: c.384C>T on transcript NM_000283.4 (MANE Select); coding-DNA position 384, C replaced by T.
Protein change: p.Ser128=; no amino-acid change (serine 128 retained).
Molecular consequence: synonymous variant.
Genome position (GRCh38, 1-based): chr4:626,010, C>T. VCF-style: chr4-626010-C-T. GRCh37 (hg19) VCF-style: chr4-619799-C-T.
Other names: c.384C>T, p.Ser128= (NM_001145291.2).
Identifiers: ClinVar variation 281810 (VCV000281810.27), dbSNP rs28510278, ClinGen allele CA2793925.

ClinVar aggregate classification (germline): Benign. Review status: criteria provided, multiple submitters, no conflicts (2 of 4 stars). 7 submissions from 6 submitters: Benign (7). Last evaluated 2026-01-24.

Conditions:
Retinitis pigmentosa (RP). Identifiers: Orphanet 791, MedGen C0035334, MeSH D012174, MONDO:0019200, OMIM 268000. Inheritance: Autosomal dominant, autosomal recessive and X linked inheritance.
Congenital stationary night blindness autosomal dominant 2. Also called: NIGHT BLINDNESS, CONGENITAL STATIONARY, RAMBUSCH TYPE. Identifiers: Orphanet 215, MedGen C1876182, MONDO:0008099, OMIM 163500.

Allele frequency attached by ClinVar (database versions not stated): gnomAD exomes 0.00228 and 0.00536; ExAC 0.01257; ESP Exome Variant Server 0.02388; gnomAD 0.02408 and 0.02567; 1000 Genomes Project 0.02456; 1000 Genomes Project 30x 0.02561; TOPMed 0.02754.
gnomAD v4.1: 7,042 of 1,589,290 alleles (0.44%); highest among the groups gnomAD compares: African/African-American, 8.4%; 262 homozygotes.

Submissions (7):

Labcorp Genetics (formerly Invitae), Labcorp
Classification: Benign. Last evaluated: 2026-01-24. Review status: criteria provided, single submitter. Criteria: Invitae Variant Classification Sherloc (09022015). Collection method: clinical testing. Allele origin: germline.

ARUP Laboratories, Molecular Genetics and Genomics, ARUP Laboratories
Classification: Benign. Last evaluated: 2023-10-11. Review status: criteria provided, single submitter. Criteria: ARUP Molecular Germline Variant Investigation Process 2024. Collection method: clinical testing. Allele origin: germline.

Illumina Laboratory Services, Illumina
Classification: Benign for Congenital stationary night blindness autosomal dominant 2. Last evaluated: 2018-01-13. Review status: criteria provided, single submitter. Criteria: ICSL Variant Classification Criteria 13 December 2019. Collection method: clinical testing. Allele origin: germline.
Comment: This variant was observed in the ICSL laboratory as part of a predisposition screen in an ostensibly healthy population. It had not been previously curated by ICSL or reported in the Human Gene Mutation Database (HGMD: prior to June 1st, 2018), and was therefore a candidate for classification through an automated scoring system. Utilizing variant allele frequency, disease prevalence and penetrance estimates, and inheritance mode, an automated score was calculated to assess if this variant is too frequent to cause the disease. Based on the score and internal cut-off values, a variant classified as benign is not then subjected to further curation. The score for this variant resulted in a classification of benign for this disease.

Illumina Laboratory Services, Illumina
Classification: Benign for Retinitis pigmentosa. Last evaluated: 2018-01-13. Review status: criteria provided, single submitter. Criteria: ICSL Variant Classification Criteria 13 December 2019. Collection method: clinical testing. Allele origin: germline.
Comment: the same text as in the submission from Illumina Laboratory Services, Illumina above.

GeneDx
Classification: Benign. Last evaluated: 2016-12-09. Review status: criteria provided, single submitter. Criteria: GeneDx Variant Classification (06012015). Collection method: clinical testing. Allele origin: germline. Affected: yes.
Comment: This variant is considered likely benign or benign based on one or more of the following criteria: it is a conservative change, it occurs at a poorly conserved position in the protein, it is predicted to be benign by multiple in silico algorithms, and/or has population frequency not consistent with disease.

Eurofins Ntd Llc (ga)
Classification: Benign. Last evaluated: 2015-07-28. Review status: criteria provided, single submitter. Criteria: EGL Classification Definitions 2015. Collection method: clinical testing. Allele origin: germline. Observed: 1 variant allele, 1 heterozygote.

Breakthrough Genomics
Classification: Benign. Review status: criteria provided, single submitter. Criteria: ACMG Guidelines, 2015. Collection method: not provided. Allele origin: germline. Inheritance: Autosomal recessive inheritance. Affected: yes.